The following is an entry in ClinVar:

ClinVar aggregate classification (germline): Pathogenic (1 of 4 stars; one submission).

Conditions:
Hereditary breast ovarian cancer syndrome. Also called: BRCA1- and BRCA2-Associated Hereditary Breast and Ovarian Cancer; Breast and ovarian cancer; Hereditary breast and ovarian cancer syndrome; Hereditary breast and ovarian cancer syndrome (HBOC); Hereditary breast and/or ovarian cancer syndrome; Hereditary breast and ovarian cancer. Identifiers: Orphanet 145, MedGen C0677776, MeSH D061325, MONDO:0003582. Disease mechanism: loss of function.

Submission:

Women's Health and Genetics/Laboratory Corporation of America, LabCorp
Classification: Pathogenic for Hereditary breast ovarian cancer syndrome. Last evaluated: 2026-02-03. Review status: criteria provided, single submitter. Criteria: LabCorp Variant Classification Summary - May 2015. Collection method: clinical testing. Allele origin: germline.
Comment: Variant summary: The variant involves the deletion of exons 12-13 in the PALB2 gene. A presumed nomenclature of c.(3201+1_3202-1)_(*295_?)del has been designated for the purposes of this classification. The exact breakpoint at the distal 3' end of this variant is unknown, therefore this deletion may extend downstream of the annotated region of the gene. As it encompasses the penultimate codon, it is predicted to result in nonsense mediated decay (NMD). Loss-of-function variants in this gene are known to be pathogenic. The variant was absent in 21694 control chromosomes. c.(3201+1_3202-1)_(*295_?)del has been observed in at least one individual affected with Breast Cancer and Pancreatic Cancer (Tischkowitz_2009). To our knowledge, no experimental evidence demonstrating an impact on protein function has been reported. The following publication have been ascertained in the context of this evaluation (PMID: 19635604). ClinVar contains an entry for this variant (Variation ID: 831170). Based on the evidence outlined above, the variant was classified as pathogenic.

Literature cited by the submitters: PubMed 19635604.

NC_000016.9:g.(?_23614485)_(23619334_23625324)del

Gene: PALB2 (partner and localizer of BRCA2; minus strand). Cytogenetic location: 16p12.2.
Variant type: Deletion.
Identifiers: ClinVar variation 4848075 (VCV004848075.1).